The following is an entry in ClinVar:

NM_001134363.3(RBM20):c.2844T>C (p.Cys948=)

Gene: RBM20 (RNA binding motif protein 20; plus strand). Cytogenetic location: 10q25.2.
Variant type: single nucleotide variant.
Coding change: c.2844T>C on transcript NM_001134363.3 (MANE Select); coding-DNA position 2844, T replaced by C.
Protein change: p.Cys948=; no amino-acid change (cysteine 948 retained).
Molecular consequence: synonymous variant.
Genome position (GRCh38, 1-based): chr10:110,821,463, T>C. VCF-style: chr10-110821463-T-C. GRCh37 (hg19) VCF-style: chr10-112581221-T-C.
Other names: c.2844T>C (NM_001134363.2).
Identifiers: ClinVar variation 165044 (VCV000165044.9), dbSNP rs727503389, ClinGen allele CA177704.

ClinVar aggregate classification (germline): Likely benign. Review status: criteria provided, multiple submitters, no conflicts (2 of 4 stars). 3 submissions from 3 submitters: Likely benign (3). Last evaluated 2025-04-09.

Conditions:
Dilated cardiomyopathy 1DD (CMD1DD). Identifiers: Orphanet 154, MedGen C2750995, MONDO:0013168, OMIM 613172.

Allele frequency attached by ClinVar (database versions not stated): gnomAD exomes 0.00001; TOPMed 0.00001.
gnomAD v4.1: 10 of 1,551,850 alleles (0.00064%); highest among the groups gnomAD compares: Non-Finnish European, 0.00087%; 1 homozygote.

Submissions (3):

Molecular Diagnostic Laboratory for Inherited Cardiovascular Disease, Montreal Heart Institute
Classification: Likely benign. Last evaluated: 2025-04-09. Review status: criteria provided, single submitter. Criteria: ACMG Guidelines, 2015. Collection method: clinical testing. Allele origin: germline. Affected: no.

Labcorp Genetics (formerly Invitae), Labcorp
Classification: Likely benign for Dilated cardiomyopathy 1DD. Last evaluated: 2024-09-10. Review status: criteria provided, single submitter. Criteria: Invitae Variant Classification Sherloc (09022015). Collection method: clinical testing. Allele origin: germline.

Laboratory for Molecular Medicine, Mass General Brigham Personalized Medicine
Classification: Likely benign. Last evaluated: 2013-08-02. Review status: criteria provided, single submitter. Criteria: LMM Criteria. Collection method: clinical testing. Allele origin: germline. Observed: 1 variant allele.
Comment: Cys948Cys in exon 11 of RBM20: This variant is not expected to have clinical sig nificance because it does not alter an amino acid residue and is not located wit hin the splice consensus sequence. Cys948Cys in exon 11 of RBM20 (allele freque ncy = n/a)